The following is an entry in ClinVar:

ClinVar aggregate classification (germline): Uncertain significance. Review status: criteria provided, multiple submitters, no conflicts (2 of 4 stars). 2 submissions from 2 submitters: Uncertain significance (2). Last evaluated 2026-06-01.

Conditions:
Inborn genetic diseases. Identifiers: MedGen C0950123, MeSH D030342.

gnomAD v4.1: 26 of 1,613,966 alleles (0.0016%); highest among the groups gnomAD compares: South Asian, 0.0022%; no homozygotes.

Submissions (2):

CeGaT Center for Human Genetics Tuebingen
Classification: Uncertain significance. Last evaluated: 2026-06-01. Review status: criteria provided, single submitter. Criteria: CeGaT Center For Human Genetics Tuebingen Variant Classification Criteria Version 2. Collection method: clinical testing. Allele origin: germline. Affected: yes. Observed: 1 variant allele.
Comment: CACNA1G: PM2:Supporting, PP2, PP3, PS4:Supporting

Ambry Genetics
Classification: Uncertain significance for Inborn genetic diseases. Last evaluated: 2025-04-30. Review status: criteria provided, single submitter. Criteria: Ambry Variant Classification Scheme 2023. Collection method: clinical testing. Allele origin: germline.

NM_018896.5(CACNA1G):c.2683C>T (p.Arg895Trp)

Gene: CACNA1G (calcium voltage-gated channel subunit alpha1 G; plus strand). Cytogenetic location: 17q21.33.
Variant type: single nucleotide variant.
Coding change: c.2683C>T on transcript NM_018896.5 (MANE Select); coding-DNA position 2683, C replaced by T.
Protein change: p.Arg895Trp; replaces arginine 895 with tryptophan.
Molecular consequence: missense variant. On other transcripts: non-coding transcript variant (5).
Genome position (GRCh38, 1-based): chr17:50,591,782, C>T. VCF-style: chr17-50591782-C-T. GRCh37 (hg19) VCF-style: chr17-48669143-C-T.
Other names: c.2683C>T, p.Arg895Trp (NM_198385.3, NM_198386.3, NM_198387.3 and 24 more transcripts); short protein forms R895W.
Identifiers: ClinVar variation 3994458 (VCV003994458.3).